The following is an entry in ClinVar:

ClinVar aggregate classification (germline): Uncertain significance. Review status: criteria provided, single submitter (1 of 4 stars). 2 submissions from 2 submitters: Uncertain significance (1). 1 of the submissions does not count toward it. Last evaluated 2022-02-08.

Conditions:
Retinitis pigmentosa 26 (RP26). Identifiers: Orphanet 791, MedGen C1842127, MONDO:0012024, OMIM 608380.

Allele frequency attached by ClinVar (database versions not stated): gnomAD exomes below 0.00001 and 0.00001; ExAC 0.00001; TOPMed 0.00001; ESP Exome Variant Server 0.00008.
gnomAD v4.1: 5 of 1,606,678 alleles (0.00031%); highest among the groups gnomAD compares: Non-Finnish European, 0.00043%; no homozygotes.

Submissions (2):

Labcorp Genetics (formerly Invitae), Labcorp
Classification: Uncertain significance. Last evaluated: 2022-02-08. Review status: criteria provided, single submitter. Criteria: Invitae Variant Classification Sherloc (09022015). Collection method: clinical testing. Allele origin: germline.
Comment: This sequence change replaces glutamic acid, which is acidic and polar, with glycine, which is neutral and non-polar, at codon 511 of the CERKL protein (p.Glu511Gly). This variant is present in population databases (rs369866192, gnomAD 0.002%). This variant has not been reported in the literature in individuals affected with CERKL-related conditions. ClinVar contains an entry for this variant (Variation ID: 848276). Algorithms developed to predict the effect of missense changes on protein structure and function (SIFT, PolyPhen-2, Align-GVGD) all suggest that this variant is likely to be tolerated. In summary, the available evidence is currently insufficient to determine the role of this variant in disease. Therefore, it has been classified as a Variant of Uncertain Significance.

Natera, Inc.
Classification: Uncertain significance for Retinitis Pigmentosa 26. Last evaluated: 2020-08-14. Review status: no assertion criteria provided. Collection method: clinical testing. Allele origin: germline. Not counted in ClinVar's aggregate classification.

NM_201548.5(CERKL):c.1454A>G (p.Glu485Gly)

Gene: CERKL (CERK like autophagy regulator; minus strand). Cytogenetic location: 2q31.3.
Variant type: single nucleotide variant.
Coding change: c.1454A>G on transcript NM_201548.5 (MANE Select); coding-DNA position 1454, A replaced by G.
Protein change: p.Glu485Gly; replaces glutamic acid 485 with glycine.
Molecular consequence: missense variant. On other transcripts: non-coding transcript variant (2).
Genome position (GRCh38, 1-based): chr2:181,539,176, T>C on the plus strand (A>G on the coding strand, the complement: CERKL is on the minus strand). VCF-style: chr2-181539176-T-C. GRCh37 (hg19) VCF-style: chr2-182403903-T-C.
Other names: c.1532A>G, p.Glu511Gly (NM_001030311.3); c.1115A>G, p.Glu372Gly (NM_001030312.3); c.1247A>G, p.Glu416Gly (NM_001030313.3); c.1400A>G, p.Glu467Gly (NM_001160277.2); short protein forms E467G, E485G, E372G, E416G, E511G.
Identifiers: ClinVar variation 848276 (VCV000848276.8), dbSNP rs369866192, ClinGen allele CA2010423.